The following is an entry in ClinVar:

NM_001620.3(AHNAK):c.16254C>T (p.Ser5418=)

Gene: AHNAK (AHNAK nucleoprotein; minus strand). Cytogenetic location: 11q12.3.
Variant type: single nucleotide variant.
Coding change: c.16254C>T on transcript NM_001620.3 (MANE Select); coding-DNA position 16254, C replaced by T.
Protein change: p.Ser5418=; no amino-acid change (serine 5418 retained).
Molecular consequence: synonymous variant. On other transcripts: intron variant (1).
Genome position (GRCh38, 1-based): chr11:62,518,163, G>A on the plus strand (C>T on the coding strand, the complement: AHNAK is on the minus strand). VCF-style: chr11-62518163-G-A. GRCh37 (hg19) VCF-style: chr11-62285635-G-A.
Other names: c.16254C>T, p.Ser5418= (NM_001346445.2, NM_001346446.2); c.342+16840C>T (NM_024060.4).
Identifiers: ClinVar variation 2641849 (VCV002641849.24), dbSNP rs370676825, ClinGen allele CA6043900.

ClinVar aggregate classification (germline): Likely benign (1 of 4 stars; one submission).

Allele frequency attached by ClinVar (database versions not stated): TOPMed 0.00003; gnomAD 0.00005; ESP Exome Variant Server 0.00008; ExAC 0.00012.
gnomAD v4.1: 70 of 1,614,022 alleles (0.0043%); highest among the groups gnomAD compares: South Asian, 0.052%; no homozygotes.

Submission:

CeGaT Center for Human Genetics Tuebingen
Classification: Likely benign. Last evaluated: 2023-02-01. Review status: criteria provided, single submitter. Criteria: CeGaT Center For Human Genetics Tuebingen Variant Classification Criteria Version 2. Collection method: clinical testing. Allele origin: germline. Affected: yes. Observed: 1 variant allele.
Comment: AHNAK: BP4, BP7